The following is an entry in ClinVar:

ClinVar aggregate classification (germline): Benign. Review status: criteria provided, multiple submitters, no conflicts (2 of 4 stars). 2 submissions from 2 submitters: Benign (2). Last evaluated 2018-01-13.

Conditions:
Neuropathy, hereditary sensory and autonomic, type 1C. Also called: HSAN IC; HSN IC. Identifiers: Orphanet 36386, MedGen C3150896, MONDO:0013337, OMIM 613640.

Allele frequency attached by ClinVar (database versions not stated): 1000 Genomes Project 0.09385; 1000 Genomes Project 30x 0.09572; gnomAD exomes 0.10275; TOPMed 0.10941; gnomAD 0.11000 and 0.11179.
gnomAD v4.1: 41,905 of 395,642 alleles (11%); highest among the groups gnomAD compares: African/African-American, 12%; 2,443 homozygotes.

Submissions (2):

Illumina Laboratory Services, Illumina
Classification: Benign for Neuropathy, hereditary sensory and autonomic, type 1C. Last evaluated: 2018-01-13. Review status: criteria provided, single submitter. Criteria: ICSL Variant Classification Criteria 13 December 2019. Collection method: clinical testing. Allele origin: germline.
Comment: This variant was observed in the ICSL laboratory as part of a predisposition screen in an ostensibly healthy population. It had not been previously curated by ICSL or reported in the Human Gene Mutation Database (HGMD: prior to June 1st, 2018), and was therefore a candidate for classification through an automated scoring system. Utilizing variant allele frequency, disease prevalence and penetrance estimates, and inheritance mode, an automated score was calculated to assess if this variant is too frequent to cause the disease. Based on the score and internal cut-off values, a variant classified as benign is not then subjected to further curation. The score for this variant resulted in a classification of benign for this disease.

Breakthrough Genomics
Classification: Benign. Review status: criteria provided, single submitter. Criteria: ACMG Guidelines, 2015. Collection method: not provided. Allele origin: germline. Inheritance: Autosomal dominant inheritance. Affected: yes.

NM_004863.4(SPTLC2):c.*2177A>C

Gene: SPTLC2 (serine palmitoyltransferase long chain base subunit 2; minus strand). Cytogenetic location: 14q24.3.
Variant type: single nucleotide variant.
Coding change: c.*2177A>C on transcript NM_004863.4 (MANE Select); 2177 bases downstream of the stop codon, A replaced by C.
Molecular consequence: 3 prime UTR variant.
Genome position (GRCh38, 1-based): chr14:77,510,107, T>G on the plus strand (A>C on the coding strand, the complement: SPTLC2 is on the minus strand). VCF-style: chr14-77510107-T-G. GRCh37 (hg19) VCF-style: chr14-77976450-T-G.
Identifiers: ClinVar variation 314631 (VCV000314631.6), dbSNP rs17824567, ClinGen allele CA10646385.